The following is an entry in ClinVar:

NM_001104631.2(PDE4D):c.808+23260C>T

Gene: PDE4D (phosphodiesterase 4D; minus strand). Cytogenetic location: 5q11.2.
Variant type: single nucleotide variant.
Coding change: c.808+23260C>T on transcript NM_001104631.2 (MANE Select); 23260 bases into the intron after coding-DNA position 808, C replaced by T.
Molecular consequence: intron variant. On other transcripts: missense variant (2).
Genome position (GRCh38, 1-based): chr5:59,157,335, G>A on the plus strand (C>T on the coding strand, the complement: PDE4D is on the minus strand). VCF-style: chr5-59157335-G-A. GRCh37 (hg19) VCF-style: chr5-58453162-G-A.
Other names: c.653C>T, p.Thr218Met (NM_001364600.2); c.644C>T, p.Thr215Met (NM_001364602.2); c.625+23260C>T (NM_001364599.1, NM_001165899.2); c.40+23260C>T (NM_001349243.2, NM_001364604.1); c.595+23260C>T (NM_001349241.2); c.616+23260C>T (NM_001197218.2); c.-143+23260C>T (NM_001364603.1); c.400+23260C>T (NM_006203.5); and 4 more; short protein forms T215M, T218M.
Identifiers: ClinVar variation 3024936 (VCV003024936.23), dbSNP rs145326116, ClinGen allele CA3276283.

ClinVar aggregate classification (germline): Likely benign. Review status: criteria provided, single submitter (1 of 4 stars). 2 submissions from 2 submitters: Likely benign (1). 1 of the submissions does not count toward it. Last evaluated 2026-09-01.

Conditions:
PDE4D-related disorder. Also called: PDE4D-related condition.

Allele frequency attached by ClinVar (database versions not stated): ExAC 0.00057; TOPMed 0.00087; gnomAD 0.00107; 1000 Genomes Project 0.00140; 1000 Genomes Project 30x 0.00141.
gnomAD v4.1: 726 of 702,542 alleles (0.1%); highest among the groups gnomAD compares: Admixed American, 0.17%; 3 homozygotes.

Submissions (2):

CeGaT Center for Human Genetics Tuebingen
Classification: Likely benign. Last evaluated: 2026-09-01. Review status: criteria provided, single submitter. Criteria: CeGaT Center For Human Genetics Tuebingen Variant Classification Criteria Version 2. Collection method: clinical testing. Allele origin: germline. Affected: yes. Observed: 2 variant alleles.
Comment: PDE4D: BP4, BS1

PreventionGenetics, part of Exact Sciences
Classification: Likely benign for PDE4D-related condition. Last evaluated: 2019-06-17. Review status: no assertion criteria provided. Collection method: clinical testing. Allele origin: germline. Not counted in ClinVar's aggregate classification.
Comment: This variant is classified as likely benign based on ACMG/AMP sequence variant interpretation guidelines (Richards et al. 2015 PMID: 25741868, with internal and published modifications).